The following is an entry in ClinVar:

NM_152703.5(SAMD9L):c.3683T>C (p.Met1228Thr)

Gene: SAMD9L (sterile alpha motif domain containing 9 like; minus strand). Cytogenetic location: 7q21.2.
Variant type: single nucleotide variant.
Coding change: c.3683T>C on transcript NM_152703.5 (MANE Select); coding-DNA position 3683, T replaced by C.
Protein change: p.Met1228Thr; replaces methionine 1228 with threonine.
Molecular consequence: missense variant.
Genome position (GRCh38, 1-based): chr7:93,132,289, A>G on the plus strand (T>C on the coding strand, the complement: SAMD9L is on the minus strand). VCF-style: chr7-93132289-A-G. GRCh37 (hg19) VCF-style: chr7-92761602-A-G.
Other names: c.3683T>C, p.Met1228Thr (NM_001303496.3, NM_001303497.3, NM_001303498.3 and 5 more transcripts); c.3683T>C (NM_152703.2, NM_152703.3); short protein forms M1228T.
Identifiers: ClinVar variation 3680902 (VCV003680902.5).
Genomic context (GRCh38, chr7:93,132,289, plus strand): 5'-AAATAACATTCATTTCTGGGATCAGGAGGAATGGTCCACTTTCCTGATAAAAATTGCACC[A>G]TATGTTTTTTGGATAATTCATTTTCTTTGTGGAAAAAGGGAGTGAGCTGAAGAATCTGGA-3'
Protein context (NP_689916.2, residues 1218-1238): HKENELSKKH[Met1228Thr]VQFLSGKWTI

ClinVar aggregate classification (germline): Uncertain significance. Review status: criteria provided, multiple submitters, no conflicts (2 of 4 stars). 4 submissions from 4 submitters: Uncertain significance (4). Last evaluated 2024-12-25.

Conditions:
Inborn genetic diseases. Identifiers: MedGen C0950123, MeSH D030342.

Submissions (4):

Ambry Genetics
Classification: Uncertain significance for Inborn genetic diseases. Last evaluated: 2024-12-25. Review status: criteria provided, single submitter. Criteria: Ambry Variant Classification Scheme 2023. Collection method: clinical testing. Allele origin: germline.
Comment: The p.M1228T variant (also known as c.3683T>C), located in coding exon 1 of the SAMD9L gene, results from a T to C substitution at nucleotide position 3683. The methionine at codon 1228 is replaced by threonine, an amino acid with similar properties. This amino acid position is conserved. In addition, this alteration is predicted to be tolerated by in silico analysis. Based on the available evidence, the clinical significance of this variant remains unclear.

GeneDx
Classification: Uncertain significance. Last evaluated: 2024-11-18. Review status: criteria provided, single submitter. Criteria: GeneDx Variant Classification Process June 2021. Collection method: clinical testing. Allele origin: germline. Affected: yes.
Comment: Not observed at significant frequency in large population cohorts (gnomAD); In silico analysis supports that this missense variant has a deleterious effect on protein structure/function; Has not been previously published as pathogenic or benign to our knowledge

Labcorp Genetics (formerly Invitae), Labcorp
Classification: Uncertain significance. Last evaluated: 2024-06-08. Review status: criteria provided, single submitter. Criteria: Invitae Variant Classification Sherloc (09022015). Collection method: clinical testing. Allele origin: germline.
Comment: This sequence change replaces methionine, which is neutral and non-polar, with threonine, which is neutral and polar, at codon 1228 of the SAMD9L protein (p.Met1228Thr). This variant is not present in population databases (gnomAD no frequency). This variant has not been reported in the literature in individuals affected with SAMD9L-related conditions. Advanced modeling of protein sequence and biophysical properties (such as structural, functional, and spatial information, amino acid conservation, physicochemical variation, residue mobility, and thermodynamic stability) performed at Invitae indicates that this missense variant is not expected to disrupt SAMD9L protein function with a negative predictive value of 80%. In summary, the available evidence is currently insufficient to determine the role of this variant in disease. Therefore, it has been classified as a Variant of Uncertain Significance.

Blueprint Genetics
Classification: Uncertain significance. Last evaluated: 2022-04-14. Review status: criteria provided, single submitter. Criteria: ACMG Guidelines, 2015. Collection method: clinical testing. Allele origin: germline.